The following is an entry in ClinVar:

NM_000138.5(FBN1):c.6180C>T (p.Tyr2060=)

Gene: FBN1 (fibrillin 1; minus strand). Cytogenetic location: 15q21.1.
Variant type: single nucleotide variant.
Coding change: c.6180C>T on transcript NM_000138.5 (MANE Select); coding-DNA position 6180, C replaced by T.
Protein change: p.Tyr2060=; no amino-acid change (tyrosine 2060 retained).
Molecular consequence: synonymous variant.
Genome position (GRCh38, 1-based): chr15:48,437,901, G>A on the plus strand (C>T on the coding strand, the complement: FBN1 is on the minus strand). VCF-style: chr15-48437901-G-A. GRCh37 (hg19) VCF-style: chr15-48730098-G-A.
Identifiers: ClinVar variation 700401 (VCV000700401.18), dbSNP rs974604498, ClinGen allele CA269526987.

ClinVar aggregate classification (germline): Conflicting classifications of pathogenicity. Review status: criteria provided, conflicting classifications (1 of 4 stars). 7 submissions from 7 submitters: Uncertain significance (1); Likely benign (6). Last evaluated 2025-12-09.

Conditions:
Marfan syndrome (MFS). Also called: MARFAN SYNDROME, TYPE I; FBN1-Related Marfan Syndrome; Marfan syndrome type 1; Marfan's syndrome; Marfan syndrome, classic. Identifiers: Orphanet 284963, Orphanet 558, MedGen C0024796, MONDO:0007947, OMIM 154700.
Familial thoracic aortic aneurysm and aortic dissection (TAAD). Also called: Thoracic aortic aneurysms and dissections. Identifiers: Orphanet 91387, MedGen C4707243, MONDO:0019625.

Allele frequency attached by ClinVar (database versions not stated): gnomAD exomes 0.00001 and below 0.00001; gnomAD 0.00002; TOPMed 0.00002.
gnomAD v4.1: 23 of 1,613,666 alleles (0.0014%); highest among the groups gnomAD compares: Middle Eastern, 0.016%; no homozygotes.

Submissions (7):

Labcorp Genetics (formerly Invitae), Labcorp
Classification: Likely benign for Marfan syndrome; Familial thoracic aortic aneurysm and aortic dissection. Last evaluated: 2025-12-09. Review status: criteria provided, single submitter. Criteria: Invitae Variant Classification Sherloc (09022015). Collection method: clinical testing. Allele origin: germline.

Blueprint Genetics
Classification: Likely benign. Last evaluated: 2024-05-06. Review status: criteria provided, single submitter. Criteria: ACMG Guidelines, 2015. Collection method: clinical testing. Allele origin: germline.

All of Us Research Program, National Institutes of Health
Classification: Likely benign for Marfan syndrome. Last evaluated: 2023-11-30. Review status: criteria provided, single submitter. Criteria: ACMG Guidelines, 2015. Collection method: clinical testing. Allele origin: germline. Inheritance: Autosomal dominant inheritance. Observed: 5 variant alleles, 5 heterozygotes.
Comment: This study involves interpretation of variants in research participants for the purpose of population health screening. Participant phenotype was not available at the time of variant classification. Additional details can be found in publication PMID: 35346344, PMCID: PMC8962531

Women's Health and Genetics/Laboratory Corporation of America, LabCorp
Classification: Likely benign. Last evaluated: 2022-09-17. Review status: criteria provided, single submitter. Criteria: LabCorp Variant Classification Summary - May 2015. Collection method: clinical testing. Allele origin: germline.

Ambry Genetics
Classification: Likely benign for Familial thoracic aortic aneurysm and aortic dissection. Last evaluated: 2022-07-06. Review status: criteria provided, single submitter. Criteria: Ambry Variant Classification Scheme 2023. Collection method: clinical testing. Allele origin: germline.

GeneDx
Classification: Uncertain significance. Last evaluated: 2020-02-27. Review status: criteria provided, single submitter. Criteria: GeneDx Variant Classification Process June 2021. Collection method: clinical testing. Allele origin: germline. Affected: yes.
Comment: Has not been previously published as pathogenic or benign to our knowledge; Not observed at a significant frequency in large population cohorts (Lek et al., 2016); In-silico analysis, which includes splice predictors and evolutionary conservation, is inconclusive as to whether the variant alters gene splicing; in the absence of RNA/functional studies, the actual effect of this sequence change is unknown; Reported in ClinVar (ClinVar Variant ID#700401; Landrum et al., 2016)

Color Diagnostics, LLC DBA Color Health
Classification: Likely benign for Familial thoracic aortic aneurysm and aortic dissection. Last evaluated: 2019-01-06. Review status: criteria provided, single submitter. Criteria: ACMG Guidelines, 2015. Collection method: clinical testing. Allele origin: germline.